The following is an entry in ClinVar:

ClinVar aggregate classification (germline): Conflicting classifications of pathogenicity. Review status: criteria provided, conflicting classifications (1 of 4 stars). 2 submissions from 2 submitters: Uncertain significance (1); Likely benign (1). Last evaluated 2023-03-23.

Conditions:
Hereditary cancer-predisposing syndrome. Also called: Hereditary Cancer Syndrome; Tumor predisposition; Hereditary neoplastic syndrome; Neoplastic Syndromes, Hereditary. Identifiers: Orphanet 140162, MedGen C0027672, MeSH D009386, MONDO:0015356.
Hereditary breast ovarian cancer syndrome. Also called: Hereditary breast and/or ovarian cancer syndrome; Hereditary breast and ovarian cancer syndrome; Hereditary breast and ovarian cancer syndrome (HBOC); Breast and ovarian cancer; Hereditary breast and ovarian cancer; BRCA1- and BRCA2-Associated Hereditary Breast and Ovarian Cancer. Identifiers: Orphanet 145, MedGen C0677776, MeSH D061325, MONDO:0003582. Disease mechanism: loss of function.

Submissions (2):

University of Washington Department of Laboratory Medicine, University of Washington
Classification: Likely benign for Hereditary cancer-predisposing syndrome. Last evaluated: 2023-03-23. Review status: criteria provided, single submitter. Criteria: Dines et al. (Genet Med. 2020). Collection method: curation. Allele origin: germline.
Comment: Missense variant in a coldspot region where missense variants are very unlikely to be pathogenic (PMID:31911673).

BRCA2 exon 11 coldspot. Reclassification based on statistical prior probability.

Labcorp Genetics (formerly Invitae), Labcorp
Classification: Uncertain significance for Hereditary breast ovarian cancer syndrome. Last evaluated: 2020-01-10. Review status: criteria provided, single submitter. Criteria: Invitae Variant Classification Sherloc (09022015). Collection method: clinical testing. Allele origin: germline.
Comment: In summary, the available evidence is currently insufficient to determine the role of this variant in disease. Therefore, it has been classified as a Variant of Uncertain Significance. Algorithms developed to predict the effect of missense changes on protein structure and function are either unavailable or do not agree on the potential impact of this missense change (SIFT: "Tolerated"; PolyPhen-2: "Probably Damaging"; Align-GVGD: "Class C0"). This variant has not been reported in the literature in individuals with BRCA2-related conditions. This variant is not present in population databases (ExAC no frequency). This sequence change replaces threonine with proline at codon 810 of the BRCA2 protein (p.Thr810Pro). The threonine residue is weakly conserved and there is a small physicochemical difference between threonine and proline.

NM_000059.4(BRCA2):c.2428A>C (p.Thr810Pro)

Gene: BRCA2 (BRCA2 DNA repair associated; plus strand). Cytogenetic location: 13q13.1.
Variant type: single nucleotide variant.
Coding change: c.2428A>C on transcript NM_000059.4 (MANE Select); coding-DNA position 2428, A replaced by C.
Protein change: p.Thr810Pro; replaces threonine 810 with proline.
Molecular consequence: missense variant.
Genome position (GRCh38, 1-based): chr13:32,336,783, A>C. VCF-style: chr13-32336783-A-C. GRCh37 (hg19) VCF-style: chr13-32910920-A-C.
Other names: short protein forms T810P.
Identifiers: ClinVar variation 1046048 (VCV001046048.13), dbSNP rs80358508, ClinGen allele CA387772143.
Genomic context (GRCh38, chr13:32,336,783, plus strand): 5'-GAATCATACAAAATGTCAGACAAGCTCAAAGGTAACAATTATGAATCTGATGTTGAATTA[A>C]CCAAAAATATTCCCATGGAAAAGAATCAAGATGTATGTGCTTTAAATGAAAATTATAAAA-3'
Protein context (NP_000050.3, residues 800-820): GNNYESDVEL[Thr810Pro]KNIPMEKNQD